The following is an entry in ClinVar:

NM_020791.4(TAOK1):c.1390dup (p.Met464fs)

Gene: TAOK1 (TAO kinase 1; plus strand). Cytogenetic location: 17q11.2.
Variant type: Duplication.
Coding change: c.1390dup on transcript NM_020791.4 (MANE Select); coding-DNA position 1390, one base duplicated (A; older notation c.1390dupA).
Protein change: p.Met464fs; shifts the reading frame from methionine 464.
Molecular consequence: frameshift variant.
Genome position (GRCh38, 1-based): chr17:29,507,947, A duplicated; the last of 3 consecutive A bases (chr17:29,507,945-29,507,947); duplicating any one gives the same sequence. VCF-style (leftmost placement, unchanged base first): chr17-29507944-C-CA. GRCh37 (hg19) VCF-style: chr17-27834962-C-CA.
Other names: c.1390dup, p.Met464fs (NM_025142.1); short protein forms M464fs.
Identifiers: ClinVar variation 3173777 (VCV003173777.1), dbSNP rs2508268796, ClinGen allele CA2825002481.

ClinVar aggregate classification (germline): Pathogenic (1 of 4 stars; one submission).

Conditions:
Inborn genetic diseases. Identifiers: MedGen C0950123, MeSH D030342.

Submission:

Ambry Genetics
Classification: Pathogenic for Inborn genetic diseases. Last evaluated: 2023-12-10. Review status: criteria provided, single submitter. Criteria: Ambry Variant Classification Scheme 2023. Collection method: clinical testing. Allele origin: germline.
Comment: The c.1390dupA (p.M464Nfs*5) alteration, located in exon 14 (coding exon 13) of the TAOK1 gene, consists of a duplication of A at position 1390, causing a translational frameshift with a predicted alternate stop codon after 5 amino acids. This alteration is expected to result in loss of function by premature protein truncation or nonsense-mediated mRNA decay. This variant was not reported in population-based cohorts in the Genome Aggregation Database (gnomAD). Based on the available evidence, this alteration is classified as pathogenic.